The following is an entry in ClinVar:

ClinVar aggregate classification (germline): Uncertain significance (1 of 4 stars; one submission).

Conditions:
Arrhythmogenic cardiomyopathy with wooly hair and keratoderma. Also called: PALMOPLANTAR KERATODERMA WITH LEFT VENTRICULAR CARDIOMYOPATHY AND WOOLLY HAIR; Carvajal syndrome; Arrhythmogenic cardiomyopathy with woolly hair and keratoderma; Dilated cardiomyopathy with woolly hair and keratoderma. Identifiers: Orphanet 65282, MedGen C1854063, MONDO:0011581, OMIM 605676.
Arrhythmogenic right ventricular dysplasia 8 (ARVD8). Also called: Arrhythmogenic Right Ventricular Dysplasia/Cardiomyopathy 8; ARRHYTHMOGENIC RIGHT VENTRICULAR DYSPLASIA, FAMILIAL, 8; ARRHYTHMOGENIC RIGHT VENTRICULAR CARDIOMYOPATHY 8. Identifiers: MedGen C1843896, MONDO:0011831, OMIM 607450.

Submission:

Labcorp Genetics (formerly Invitae), Labcorp
Classification: Uncertain significance for Arrhythmogenic cardiomyopathy with wooly hair and keratoderma; Arrhythmogenic right ventricular dysplasia 8. Last evaluated: 2023-08-20. Review status: criteria provided, single submitter. Criteria: Invitae Variant Classification Sherloc (09022015). Collection method: clinical testing. Allele origin: germline.
Comment: In summary, the available evidence is currently insufficient to determine the role of this variant in disease. Therefore, it has been classified as a Variant of Uncertain Significance. An algorithm developed to predict the effect of missense changes on protein structure and function (PolyPhen-2) suggests that this variant is likely to be disruptive. This variant has not been reported in the literature in individuals affected with DSP-related conditions. This variant is not present in population databases (gnomAD no frequency). This sequence change replaces leucine, which is neutral and non-polar, with valine, which is neutral and non-polar, at codon 773 of the DSP protein (p.Leu773Val).

NM_004415.4(DSP):c.2317C>G (p.Leu773Val)

Gene: DSP (desmoplakin; plus strand). Cytogenetic location: 6p24.3.
Variant type: single nucleotide variant.
Coding change: c.2317C>G on transcript NM_004415.4 (MANE Select); coding-DNA position 2317, C replaced by G.
Protein change: p.Leu773Val; replaces leucine 773 with valine.
Molecular consequence: missense variant.
Genome position (GRCh38, 1-based): chr6:7,574,676, C>G. VCF-style: chr6-7574676-C-G. GRCh37 (hg19) VCF-style: chr6-7574909-C-G.
Other names: c.2317C>G, p.Leu773Val (NM_001008844.3, NM_001319034.2); short protein forms L773V.
Identifiers: ClinVar variation 2933431 (VCV002933431.3), dbSNP rs767433534, ClinGen allele CA362681057.